The following is an entry in ClinVar:

ClinVar aggregate classification (germline): Uncertain significance (1 of 4 stars; one submission).

Conditions:
Dyskeratosis congenita. Identifiers: Orphanet 1775, MedGen C0265965, MONDO:0015780.

gnomAD v4.1: 1 of 1,542,856 alleles (0.000065%); highest among the groups gnomAD compares: Non-Finnish European, 0.000087%; no homozygotes.

Submission:

Ambry Genetics
Classification: Uncertain significance for Dyskeratosis congenita. Last evaluated: 2025-07-22. Review status: criteria provided, single submitter. Criteria: Ambry Variant Classification Scheme 2023. Collection method: clinical testing. Allele origin: germline.
Comment: The p.H330Q variant (also known as c.990C>G), located in coding exon 2 of the TERT gene, results from a C to G substitution at nucleotide position 990. The histidine at codon 330 is replaced by glutamine, an amino acid with highly similar properties. This amino acid position is conserved. In addition, this alteration is predicted to be tolerated by in silico analysis. Based on the available evidence, the clinical significance of this variant remains unclear.

NM_198253.3(TERT):c.990C>G (p.His330Gln)

Gene: TERT (telomerase reverse transcriptase; minus strand). Cytogenetic location: 5p15.33.
Variant type: single nucleotide variant.
Coding change: c.990C>G on transcript NM_198253.3 (MANE Select); coding-DNA position 990, C replaced by G.
Protein change: p.His330Gln; replaces histidine 330 with glutamine.
Molecular consequence: missense variant. On other transcripts: non-coding transcript variant (2).
Genome position (GRCh38, 1-based): chr5:1,293,896, G>C on the plus strand (C>G on the coding strand, the complement: TERT is on the minus strand). VCF-style: chr5-1293896-G-C. GRCh37 (hg19) VCF-style: chr5-1294011-G-C.
Other names: c.990C>G, p.His330Gln (NM_001193376.3, NM_003219.1); short protein forms H330Q.
Identifiers: ClinVar variation 3238499 (VCV003238499.2), dbSNP rs2126686464.